The following is an entry in ClinVar:

NM_001370466.1(NOD2):c.292C>T (p.Pro98Ser)

Gene: NOD2 (nucleotide binding oligomerization domain containing 2; plus strand). Cytogenetic location: 16q12.1.
Variant type: single nucleotide variant.
Coding change: c.292C>T on transcript NM_001370466.1 (MANE Select); coding-DNA position 292, C replaced by T.
Protein change: p.Pro98Ser; replaces proline 98 with serine.
Molecular consequence: missense variant. On other transcripts: non-coding transcript variant (1).
Genome position (GRCh38, 1-based): chr16:50,699,787, C>T. VCF-style: chr16-50699787-C-T. GRCh37 (hg19) VCF-style: chr16-50733698-C-T.
Other names: c.292C>T, p.Pro98Ser (NM_001293557.2); c.373C>T, p.Pro125Ser (NM_022162.3); short protein forms P125S, P98S.
Identifiers: ClinVar variation 1405916 (VCV001405916.8), dbSNP rs1963848568, ClinGen allele CA395866412.

ClinVar aggregate classification (germline): Uncertain significance (1 of 4 stars; one submission).

Conditions:
Blau syndrome (BLAUS). Also called: JABS SYNDROME; GRANULOMATOSIS, FAMILIAL JUVENILE SYSTEMIC; GRANULOMATOSIS, FAMILIAL, BLAU TYPE; GRANULOMATOUS INFLAMMATORY ARTHRITIS, DERMATITIS, AND UVEITIS, FAMILIAL; ARTHROCUTANEOUVEAL GRANULOMATOSIS. Identifiers: Orphanet 90340, MedGen C5201146, MONDO:0008523, OMIM 186580.
Regional enteritis. Also called: Enteritis, Granulomatous. Identifiers: MedGen C0678202, MeSH D003424.

Allele frequency attached by ClinVar (database versions not stated): gnomAD exomes below 0.00001; TOPMed below 0.00001.

Submission:

Labcorp Genetics (formerly Invitae), Labcorp
Classification: Uncertain significance for Regional enteritis; Blau syndrome. Last evaluated: 2021-03-25. Review status: criteria provided, single submitter. Criteria: Invitae Variant Classification Sherloc (09022015). Collection method: clinical testing. Allele origin: germline.
Comment: In summary, the available evidence is currently insufficient to determine the role of this variant in disease. Therefore, it has been classified as a Variant of Uncertain Significance. Advanced modeling of protein sequence and biophysical properties (such as structural, functional, and spatial information, amino acid conservation, physicochemical variation, residue mobility, and thermodynamic stability) performed at Invitae indicates that this missense variant is not expected to disrupt NOD2 protein function. This variant has not been reported in the literature in individuals with NOD2-related conditions. This variant is not present in population databases (ExAC no frequency). This sequence change replaces proline with serine at codon 125 of the NOD2 protein (p.Pro125Ser). The proline residue is moderately conserved and there is a moderate physicochemical difference between proline and serine.